The following is an entry in ClinVar:

ClinVar aggregate classification (germline): Conflicting classifications of pathogenicity. Review status: criteria provided, conflicting classifications (1 of 4 stars). 2 submissions from 2 submitters: Uncertain significance (1); Likely benign (1). Last evaluated 2025-06-13.

Conditions:
Inborn genetic diseases. Identifiers: MedGen C0950123, MeSH D030342.

Allele frequency attached by ClinVar (database versions not stated): gnomAD exomes 0.00005; 1000 Genomes Project 0.00020; 1000 Genomes Project 30x 0.00031; gnomAD 0.00034; ESP Exome Variant Server 0.00038; ExAC 0.00015; TOPMed 0.00032.
gnomAD v4.1: 119 of 1,612,596 alleles (0.0074%); highest among the groups gnomAD compares: African/African-American, 0.1%; no homozygotes.

Submissions (2):

Ambry Genetics
Classification: Likely benign for Inborn genetic diseases. Last evaluated: 2025-06-13. Review status: criteria provided, single submitter. Criteria: Ambry Variant Classification Scheme 2023. Collection method: clinical testing. Allele origin: germline.

Labcorp Genetics (formerly Invitae), Labcorp
Classification: Uncertain significance. Last evaluated: 2024-05-06. Review status: criteria provided, single submitter. Criteria: Invitae Variant Classification Sherloc (09022015). Collection method: clinical testing. Allele origin: germline.
Comment: This sequence change replaces threonine, which is neutral and polar, with methionine, which is neutral and non-polar, at codon 3566 of the LAMA5 protein (p.Thr3566Met). This variant is present in population databases (rs144219663, gnomAD 0.1%). This variant has not been reported in the literature in individuals affected with LAMA5-related conditions. ClinVar contains an entry for this variant (Variation ID: 2161799). Advanced modeling of protein sequence and biophysical properties (such as structural, functional, and spatial information, amino acid conservation, physicochemical variation, residue mobility, and thermodynamic stability) performed at Invitae indicates that this missense variant is not expected to disrupt LAMA5 protein function with a negative predictive value of 80%. In summary, the available evidence is currently insufficient to determine the role of this variant in disease. Therefore, it has been classified as a Variant of Uncertain Significance.

NM_005560.6(LAMA5):c.10697C>T (p.Thr3566Met)

Gene: LAMA5 (laminin subunit alpha 5; minus strand). Cytogenetic location: 20q13.33.
Variant type: single nucleotide variant.
Coding change: c.10697C>T on transcript NM_005560.6 (MANE Select); coding-DNA position 10697, C replaced by T.
Protein change: p.Thr3566Met; replaces threonine 3566 with methionine.
Molecular consequence: missense variant.
Genome position (GRCh38, 1-based): chr20:62,310,215, G>A on the plus strand (C>T on the coding strand, the complement: LAMA5 is on the minus strand). VCF-style: chr20-62310215-G-A. GRCh37 (hg19) VCF-style: chr20-60885271-G-A.
Other names: c.10697C>T (NM_005560.3); short protein forms T3566M.
Identifiers: ClinVar variation 2161799 (VCV002161799.5), dbSNP rs144219663, ClinGen allele CA9939678.